The following is an entry in ClinVar:

ClinVar aggregate classification (germline): Uncertain significance. Review status: criteria provided, multiple submitters, no conflicts (2 of 4 stars). 2 submissions from 2 submitters: Uncertain significance (2). Last evaluated 2025-08-01.

Allele frequency attached by ClinVar (database versions not stated): gnomAD 0.00001; TOPMed 0.00001; ExAC 0.00002; gnomAD exomes 0.00002.
gnomAD v4.1: 12 of 1,614,058 alleles (0.00074%); highest among the groups gnomAD compares: Non-Finnish European, 0.00068%; no homozygotes.

Submissions (2):

CeGaT Center for Human Genetics Tuebingen
Classification: Uncertain significance. Last evaluated: 2025-08-01. Review status: criteria provided, single submitter. Criteria: CeGaT Center For Human Genetics Tuebingen Variant Classification Criteria Version 2. Collection method: clinical testing. Allele origin: germline. Affected: yes. Observed: 1 variant allele.
Comment: HTRA1: PM2

Labcorp Genetics (formerly Invitae), Labcorp
Classification: Uncertain significance. Last evaluated: 2023-08-04. Review status: criteria provided, single submitter. Criteria: Invitae Variant Classification Sherloc (09022015). Collection method: clinical testing. Allele origin: germline.
Comment: In summary, the available evidence is currently insufficient to determine the role of this variant in disease. Therefore, it has been classified as a Variant of Uncertain Significance. This sequence change replaces threonine, which is neutral and polar, with isoleucine, which is neutral and non-polar, at codon 237 of the HTRA1 protein (p.Thr237Ile). The frequency data for this variant in the population databases is considered unreliable, as metrics indicate poor data quality at this position in the gnomAD database. This variant has not been reported in the literature in individuals affected with HTRA1-related conditions. ClinVar contains an entry for this variant (Variation ID: 1406705). Advanced modeling of protein sequence and biophysical properties (such as structural, functional, and spatial information, amino acid conservation, physicochemical variation, residue mobility, and thermodynamic stability) performed at Invitae indicates that this missense variant is not expected to disrupt HTRA1 protein function.

NM_002775.5(HTRA1):c.710C>T (p.Thr237Ile)

Gene: HTRA1 (HtrA serine peptidase 1; plus strand). Cytogenetic location: 10q26.13.
Variant type: single nucleotide variant.
Coding change: c.710C>T on transcript NM_002775.5 (MANE Select); coding-DNA position 710, C replaced by T.
Protein change: p.Thr237Ile; replaces threonine 237 with isoleucine.
Molecular consequence: missense variant.
Genome position (GRCh38, 1-based): chr10:122,489,559, C>T. VCF-style: chr10-122489559-C-T. GRCh37 (hg19) VCF-style: chr10-124249075-C-T.
Other names: short protein forms T237I.
Identifiers: ClinVar variation 1406705 (VCV001406705.17), dbSNP rs763151772, ClinGen allele CA5725898.